The following is an entry in ClinVar:

NM_006922.4(SCN3A):c.1556A>G (p.Glu519Gly)

Gene: SCN3A (sodium voltage-gated channel alpha subunit 3; minus strand). Cytogenetic location: 2q24.3.
Variant type: single nucleotide variant.
Coding change: c.1556A>G on transcript NM_006922.4 (MANE Select); coding-DNA position 1556, A replaced by G.
Protein change: p.Glu519Gly; replaces glutamic acid 519 with glycine.
Molecular consequence: missense variant.
Genome position (GRCh38, 1-based): chr2:165,146,854, T>C on the plus strand (A>G on the coding strand, the complement: SCN3A is on the minus strand). VCF-style: chr2-165146854-T-C. GRCh37 (hg19) VCF-style: chr2-166003364-T-C.
Other names: c.1556A>G, p.Glu519Gly (NM_001081676.2, NM_001081677.2); short protein forms E519G.
Identifiers: ClinVar variation 2504795 (VCV002504795.1), dbSNP rs2468362577, ClinGen allele CA349236496.

ClinVar aggregate classification (germline): Uncertain significance (1 of 4 stars; one submission).

Submission:

GeneDx
Classification: Uncertain significance. Last evaluated: 2022-12-07. Review status: criteria provided, single submitter. Criteria: GeneDx Variant Classification Process June 2021. Collection method: clinical testing. Allele origin: germline. Affected: yes.
Comment: Not observed at significant frequency in large population cohorts (gnomAD); In silico analysis supports that this missense variant has a deleterious effect on protein structure/function; Has not been previously published as pathogenic or benign to our knowledge